The following is an entry in ClinVar:

ClinVar aggregate classification (germline): Likely benign (1 of 4 stars; one submission).

Allele frequency attached by ClinVar (database versions not stated): ExAC 0.00003; TOPMed 0.00003; gnomAD 0.00004.

Submission:

CeGaT Center for Human Genetics Tuebingen
Classification: Likely benign. Last evaluated: 2023-03-01. Review status: criteria provided, single submitter. Criteria: CeGaT Center For Human Genetics Tuebingen Variant Classification Criteria Version 2. Collection method: clinical testing. Allele origin: germline. Affected: yes. Observed: 1 variant allele.
Comment: ATP1B4: BP4, BP7

NM_001142447.3(ATP1B4):c.864G>A (p.Ser288=)

Gene: ATP1B4 (ATPase Na+/K+ transporting family member beta 4; plus strand). Cytogenetic location: Xq24.
Variant type: single nucleotide variant.
Coding change: c.864G>A on transcript NM_001142447.3 (MANE Select); coding-DNA position 864, G replaced by A.
Protein change: p.Ser288=; no amino-acid change (serine 288 retained).
Molecular consequence: synonymous variant.
Genome position (GRCh38, 1-based): chrX:120,378,725, G>A. VCF-style: chrX-120378725-G-A. GRCh37 (hg19) VCF-style: chrX-119512580-G-A.
Other names: c.852G>A, p.Ser284= (NM_012069.5).
Identifiers: ClinVar variation 2661324 (VCV002661324.24), dbSNP rs774577123, ClinGen allele CA10505092.